The following is an entry in ClinVar:

ClinVar aggregate classification (germline): Pathogenic (1 of 4 stars; one submission).

Allele frequency attached by ClinVar (database versions not stated): gnomAD exomes below 0.00001.
gnomAD v4.1: 1 of 1,614,214 alleles (0.000062%); highest among the groups gnomAD compares: Non-Finnish European, 0.000085%; no homozygotes.

Submission:

Labcorp Genetics (formerly Invitae), Labcorp
Classification: Pathogenic. Last evaluated: 2024-01-25. Review status: criteria provided, single submitter. Criteria: Invitae Variant Classification Sherloc (09022015). Collection method: clinical testing. Allele origin: germline.
Comment: This sequence change creates a premature translational stop signal (p.Gln856*) in the TG gene. It is expected to result in an absent or disrupted protein product. Loss-of-function variants in TG are known to be pathogenic (PMID: 19837936, 23164529). This variant is not present in population databases (gnomAD no frequency). This variant has not been reported in the literature in individuals affected with TG-related conditions. For these reasons, this variant has been classified as Pathogenic.

Literature cited by the submitters: PubMed 19837936; PubMed 23164529.

NM_003235.5(TG):c.2566C>T (p.Gln856Ter)

Gene: TG (thyroglobulin; plus strand). Cytogenetic location: 8q24.22.
Variant type: single nucleotide variant.
Coding change: c.2566C>T on transcript NM_003235.5 (MANE Select); coding-DNA position 2566, C replaced by T.
Protein change: p.Gln856Ter; replaces glutamine 856 with a stop codon.
Molecular consequence: nonsense.
Genome position (GRCh38, 1-based): chr8:132,888,373, C>T. VCF-style: chr8-132888373-C-T. GRCh37 (hg19) VCF-style: chr8-133900618-C-T.
Other names: short protein forms Q856*.
Identifiers: ClinVar variation 2711228 (VCV002711228.3), dbSNP rs2489854722, ClinGen allele CA372236613.